The following is an entry in ClinVar:

ClinVar aggregate classification (germline): Likely benign (1 of 4 stars; one submission).

Conditions:
Polycystic kidney disease 2 (PKD2). Also called: Polycystic Kidney Disease 2, Autosomal Dominant; POLYCYSTIC KIDNEY DISEASE, ADULT, TYPE II; POLYCYSTIC KIDNEY DISEASE 2 WITH OR WITHOUT POLYCYSTIC LIVER DISEASE. Identifiers: MedGen C2751306, MONDO:0013131, OMIM 613095.

Allele frequency attached by ClinVar (database versions not stated): gnomAD 0.00036 and 0.00064; 1000 Genomes Project 0.00399; TOPMed 0.00051; 1000 Genomes Project 30x 0.00359.

Submission:

Illumina Laboratory Services, Illumina
Classification: Likely benign for Polycystic kidney disease 2. Last evaluated: 2018-01-12. Review status: criteria provided, single submitter. Criteria: ICSL Variant Classification Criteria 13 December 2019. Collection method: clinical testing. Allele origin: germline.
Comment: This variant was observed in the ICSL laboratory as part of a predisposition screen in an ostensibly healthy population. It had not been previously curated by ICSL or reported in the Human Gene Mutation Database (HGMD: prior to June 1st, 2018), and was therefore a candidate for classification through an automated scoring system. Utilizing variant allele frequency, disease prevalence and penetrance estimates, and inheritance mode, an automated score was calculated to assess if this variant is too frequent to cause the disease. Based on the score and internal cut-off values, a variant classified as likely benign is not then subjected to further curation. The score for this variant resulted in a classification of likely benign for this disease.

NM_000297.4(PKD2):c.*794C>A

Gene: PKD2 (polycystin 2, transient receptor potential cation channel; plus strand). Cytogenetic location: 4q22.1.
Variant type: single nucleotide variant.
Coding change: c.*794C>A on transcript NM_000297.4 (MANE Select); 794 bases downstream of the stop codon, C replaced by A.
Molecular consequence: 3 prime UTR variant. On other transcripts: non-coding transcript variant (1).
Genome position (GRCh38, 1-based): chr4:88,076,488, C>A. VCF-style: chr4-88076488-C-A. GRCh37 (hg19) VCF-style: chr4-88997640-C-A.
Identifiers: ClinVar variation 350043 (VCV000350043.5), dbSNP rs370387859, ClinGen allele CA10618585.
Genomic context (GRCh38, chr4:88,076,488, plus strand): 5'-AGAATTGGAAGGAGCCCTAAGTTGTCACTCAGTTTAATTTCTTTTAATGGTTAGTTTAGC[C>A]TAAAGATTTATCTGCATATTCTTTTTCCCATGTGGCTCTACTCATTTGCAACTGAATTTA-3'